The following is an entry in ClinVar:

NC_000003.11:g.(?_48936103)_(48936227_?)dup

Gene: SLC25A20 (solute carrier family 25 member 20; minus strand). Cytogenetic location: 3p21.31.
Variant type: Duplication.
Identifiers: ClinVar variation 2422999 (VCV002422999.3).

ClinVar aggregate classification (germline): Uncertain significance (1 of 4 stars; one submission).

Conditions:
Carnitine acylcarnitine translocase deficiency (CACTD). Identifiers: Orphanet 159, MedGen C0342791, MONDO:0008918, OMIM 212138.

Submission:

Labcorp Genetics (formerly Invitae), Labcorp
Classification: Uncertain significance for Carnitine acylcarnitine translocase deficiency. Last evaluated: 2022-06-27. Review status: criteria provided, single submitter. Criteria: Invitae Variant Classification Sherloc (09022015). Collection method: clinical testing. Allele origin: germline.
Comment: In summary, the available evidence is currently insufficient to determine the role of this variant in disease. Therefore, it has been classified as a Variant of Uncertain Significance. This variant has not been reported in the literature in individuals affected with SLC25A20-related conditions. This variant results in a copy number gain of the genomic region encompassing exon(s) 1 of the SLC25A20 gene. This region includes the initiator codon of the gene. This copy number gain extends beyond the assayed region for this gene and therefore may encompass additional genes. As the precise location of this event is unknown, it may be in tandem or it may be located elsewhere in the genome.